The following is an entry in ClinVar:

ClinVar aggregate classification (germline): Uncertain significance (1 of 4 stars; one submission).

Conditions:
Primary dilated cardiomyopathy (DCM). Also called: Dilated Cardiomyopathy. Identifiers: Orphanet 217604, MedGen C0007193, MeSH D002311, MONDO:0005021, HP:0001644. Inheritance: Various modes of inheritance.

gnomAD v4.1: 4 of 1,590,708 alleles (0.00025%); highest among the groups gnomAD compares: Non-Finnish European, 0.00035%; no homozygotes.

Submission:

Labcorp Genetics (formerly Invitae), Labcorp
Classification: Uncertain significance for Primary dilated cardiomyopathy. Last evaluated: 2024-11-30. Review status: criteria provided, single submitter. Criteria: Invitae Variant Classification Sherloc (09022015). Collection method: clinical testing. Allele origin: germline.
Comment: This sequence change creates a premature translational stop signal (p.Glu372*) in the NEBL gene. It is expected to result in an absent or disrupted protein product. However, the current clinical and genetic evidence is not sufficient to establish whether loss-of-function variants in NEBL cause disease. This variant is not present in population databases (gnomAD no frequency). This variant has not been reported in the literature in individuals affected with NEBL-related conditions. Algorithms developed to predict the effect of sequence changes on RNA splicing suggest that this variant may disrupt the consensus splice site. In summary, the available evidence is currently insufficient to determine the role of this variant in disease. Therefore, it has been classified as a Variant of Uncertain Significance.

NM_006393.3(NEBL):c.1114G>T (p.Glu372Ter)

Gene: NEBL (nebulette; minus strand). Cytogenetic location: 10p12.31.
Variant type: single nucleotide variant.
Coding change: c.1114G>T on transcript NM_006393.3 (MANE Select); coding-DNA position 1114, G replaced by T.
Protein change: p.Glu372Ter; replaces glutamic acid 372 with a stop codon.
Molecular consequence: nonsense. On other transcripts: intron variant (9).
Genome position (GRCh38, 1-based): chr10:20,850,397, C>A on the plus strand (G>T on the coding strand, the complement: NEBL is on the minus strand). VCF-style: chr10-20850397-C-A. GRCh37 (hg19) VCF-style: chr10-21139326-C-A.
Other names: c.250-37457G>T (NM_001377326.1, NM_001377327.1, NM_001377328.1); c.358-37457G>T (NM_213569.2, NM_001173484.2, NM_001377322.1); c.301-37457G>T (NM_001377324.1); c.292-37457G>T (NM_001377325.1); c.310-37457G>T (NM_001377323.1); short protein forms E372*.
Identifiers: ClinVar variation 3707553 (VCV003707553.2).